The following is an entry in ClinVar:

ClinVar aggregate classification (germline): Uncertain significance (1 of 4 stars; one submission).

Conditions:
FAM111A-related disorder. Also called: FAM111A-related condition.

Submission:

PreventionGenetics, part of Exact Sciences
Classification: Uncertain significance for FAM111A-related condition. Last evaluated: 2025-02-11. Review status: criteria provided, single submitter. Criteria: ACMG Guidelines, 2015. Collection method: clinical testing. Allele origin: germline.
Comment: The FAM111A c.1607T>C variant is predicted to result in the amino acid substitution p.Phe536Ser. To our knowledge, this variant has not been reported in the literature or in a large population database (gnomAD), indicating this variant is rare. At this time, the clinical significance of this variant is uncertain due to the absence of conclusive functional and genetic evidence.

NM_001312909.2(FAM111A):c.1607T>C (p.Phe536Ser)

Gene: FAM111A (FAM111 trypsin like peptidase A; plus strand). Cytogenetic location: 11q12.1.
Variant type: single nucleotide variant.
Coding change: c.1607T>C on transcript NM_001312909.2 (MANE Select); coding-DNA position 1607, T replaced by C.
Protein change: p.Phe536Ser; replaces phenylalanine 536 with serine.
Molecular consequence: missense variant.
Genome position (GRCh38, 1-based): chr11:59,153,275, T>C. VCF-style: chr11-59153275-T-C. GRCh37 (hg19) VCF-style: chr11-58920748-T-C.
Other names: c.1607T>C, p.Phe536Ser (NM_001142519.3, NM_001142520.3, NM_001142521.3 and 29 more transcripts); short protein forms F536S.
Identifiers: ClinVar variation 5001962 (VCV005001962.1).